The following is an entry in ClinVar:

ClinVar aggregate classification (germline): Pathogenic (1 of 4 stars; one submission).

Submission:

Labcorp Genetics (formerly Invitae), Labcorp
Classification: Pathogenic. Last evaluated: 2025-07-09. Review status: criteria provided, single submitter. Criteria: Invitae Variant Classification Sherloc (09022015). Collection method: clinical testing. Allele origin: germline.
Comment: This sequence change creates a premature translational stop signal (p.Glu96Cysfs*38) in the RORB gene. It is expected to result in an absent or disrupted protein product. Loss-of-function variants in RORB are known to be pathogenic (PMID: 27352968, 32162308, 38165337). This variant is not present in population databases (gnomAD no frequency). This variant has not been reported in the literature in individuals affected with RORB-related conditions. For these reasons, this variant has been classified as Pathogenic.

Literature cited by the submitters: PubMed 27352968; PubMed 32162308; PubMed 38165337.

NM_006914.4(RORB):c.277_284dup (p.Glu96fs)

Gene: RORB (RAR related orphan receptor B; plus strand). Cytogenetic location: 9q21.13.
Variant type: Duplication.
Coding change: c.277_284dup on transcript NM_006914.4 (MANE Select); coding-DNA positions 277 to 284, 8 bases duplicated (CTGTATGC; older notation c.277_284dupCTGTATGC).
Protein change: p.Glu96fs; shifts the reading frame from glutamic acid 96.
Molecular consequence: frameshift variant.
Genome position (GRCh38, 1-based): chr9:74,642,455-74,642,462, CTGTATGC duplicated; duplicating any 8 consecutive bases within chr9:74,642,453-74,642,462 gives the same sequence; the c. name uses the placement nearest the transcript's 3' end. VCF-style (leftmost placement, unchanged base first): chr9-74642452-A-AGCCTGTAT. GRCh37 (hg19) VCF-style: chr9-77257368-A-AGCCTGTAT.
Other names: c.310_317dup, p.Glu107fs (NM_001365023.1); short protein forms E107fs, E96fs.
Identifiers: ClinVar variation 4722725 (VCV004722725.1).